The following is an entry in ClinVar:

NM_000057.4(BLM):c.1923T>C (p.His641=)

Gene: BLM (BLM RecQ like helicase; plus strand). Cytogenetic location: 15q26.1.
Variant type: single nucleotide variant.
Coding change: c.1923T>C on transcript NM_000057.4 (MANE Select); coding-DNA position 1923, T replaced by C.
Protein change: p.His641=; no amino-acid change (histidine 641 retained).
Molecular consequence: synonymous variant.
Genome position (GRCh38, 1-based): chr15:90,763,006, T>C. VCF-style: chr15-90763006-T-C. GRCh37 (hg19) VCF-style: chr15-91306236-T-C.
Other names: c.1923T>C, p.His641= (NM_001287246.2, NM_001287247.2); c.798T>C, p.His266= (NM_001287248.2).
Identifiers: ClinVar variation 3991609 (VCV003991609.9).

ClinVar aggregate classification (germline): Likely benign. Review status: criteria provided, multiple submitters, no conflicts (2 of 4 stars). 2 submissions from 2 submitters: Likely benign (2). Last evaluated 2025-08-01.

Conditions:
Hereditary cancer-predisposing syndrome. Also called: Neoplastic Syndromes, Hereditary; Tumor predisposition; Hereditary Cancer Syndrome; Hereditary neoplastic syndrome. Identifiers: Orphanet 140162, MedGen C0027672, MeSH D009386, MONDO:0015356.

Submissions (2):

CeGaT Center for Human Genetics Tuebingen
Classification: Likely benign. Last evaluated: 2025-08-01. Review status: criteria provided, single submitter. Criteria: CeGaT Center For Human Genetics Tuebingen Variant Classification Criteria Version 2. Collection method: clinical testing. Allele origin: germline. Affected: yes. Observed: 1 variant allele.
Comment: BLM: PM2:Supporting, BP4, BP7

Ambry Genetics
Classification: Likely benign for Hereditary cancer-predisposing syndrome. Last evaluated: 2025-06-04. Review status: criteria provided, single submitter. Criteria: Ambry Variant Classification Scheme 2023. Collection method: clinical testing. Allele origin: germline.